The following is an entry in ClinVar:

ClinVar aggregate classification (germline): Uncertain significance (1 of 4 stars; one submission).

Conditions:
CHARGE syndrome (CHARGE). Also called: Hittner Hirsch Kreh syndrome; CHARGE ASSOCIATION--COLOBOMA, HEART ANOMALY, CHOANAL ATRESIA, RETARDATION, GENITAL AND EAR ANOMALIES; Coloboma, heart anomaly, choanal atresia, retardation, genital and ear anomalies; CHARGE association; Hall-Hittner syndrome. Identifiers: Orphanet 138, MedGen C0265354, MONDO:0008965.

Submission:

Labcorp Genetics (formerly Invitae), Labcorp
Classification: Uncertain significance for CHARGE syndrome. Last evaluated: 2021-12-19. Review status: criteria provided, single submitter. Criteria: Invitae Variant Classification Sherloc (09022015). Collection method: clinical testing. Allele origin: germline.
Comment: Advanced modeling of protein sequence and biophysical properties (such as structural, functional, and spatial information, amino acid conservation, physicochemical variation, residue mobility, and thermodynamic stability) performed at Invitae indicates that this missense variant is not expected to disrupt CHD7 protein function. This variant has not been reported in the literature in individuals affected with CHD7-related conditions. This variant is not present in population databases (gnomAD no frequency). This sequence change replaces aspartic acid, which is acidic and polar, with glutamic acid, which is acidic and polar, at codon 740 of the CHD7 protein (p.Asp740Glu). In summary, the available evidence is currently insufficient to determine the role of this variant in disease. Therefore, it has been classified as a Variant of Uncertain Significance.

NM_017780.4(CHD7):c.2220T>A (p.Asp740Glu)

Gene: CHD7 (chromodomain helicase DNA binding protein 7; plus strand). Cytogenetic location: 8q12.2.
Variant type: single nucleotide variant.
Coding change: c.2220T>A on transcript NM_017780.4 (MANE Select); coding-DNA position 2220, T replaced by A.
Protein change: p.Asp740Glu; replaces aspartic acid 740 with glutamic acid.
Molecular consequence: missense variant. On other transcripts: intron variant (1).
Genome position (GRCh38, 1-based): chr8:60,795,109, T>A. VCF-style: chr8-60795109-T-A. GRCh37 (hg19) VCF-style: chr8-61707668-T-A.
Other names: c.1716+14059T>A (NM_001316690.1); short protein forms D740E.
Identifiers: ClinVar variation 2048240 (VCV002048240.4), dbSNP rs2487635375, ClinGen allele CA371296670.